The following is an entry in ClinVar:

ClinVar aggregate classification (germline): Conflicting classifications of pathogenicity. Review status: criteria provided, conflicting classifications (1 of 4 stars). 4 submissions from 4 submitters: Pathogenic (1); Uncertain significance (3). Last evaluated 2025-09-24.

Conditions:
Citrin deficiency. Identifiers: Orphanet 247582, MedGen C1997910, MONDO:0016602.
SLC25A13-related disorder. Also called: SLC25A13-related condition.
Inborn genetic diseases. Identifiers: MedGen C0950123, MeSH D030342.
Neonatal intrahepatic cholestasis due to citrin deficiency (CDNI). Also called: CITRIN DEFICIENCY, NEONATAL OR INFANTILE ONSET; Neonatal-onset citrullinemia type II; Neonatal-onset citrullinemia type 2; Neonatal Intrahepatic Cholestasis Caused by Citrin Deficiency (NICCD). Identifiers: Orphanet 247598, MedGen C1853942, MONDO:0011601, OMIM 605814.

Allele frequency attached by ClinVar (database versions not stated): gnomAD exomes below 0.00001; gnomAD 0.00001; TOPMed 0.00001.
gnomAD v4.1: 4 of 1,614,028 alleles (0.00025%); highest among the groups gnomAD compares: South Asian, 0.0022%; no homozygotes.

Submissions (4):

Genesolutions, Medical Genetics Institutes, Ho Chi Minh City, Vietnam
Classification: Pathogenic for Neonatal intrahepatic cholestasis due to citrin deficiency. Last evaluated: 2025-09-24. Review status: criteria provided, single submitter. Criteria: ACMG Guidelines, 2015. Collection method: clinical testing. Allele origin: germline. Affected: yes.

Ambry Genetics
Classification: Uncertain significance for Inborn genetic diseases. Last evaluated: 2024-03-31. Review status: criteria provided, single submitter. Criteria: Ambry Variant Classification Scheme 2023. Collection method: clinical testing. Allele origin: germline.

PreventionGenetics, part of Exact Sciences
Classification: Uncertain significance for SLC25A13-related condition. Last evaluated: 2022-12-09. Review status: criteria provided, single submitter. Criteria: ACMG Guidelines, 2015. Collection method: clinical testing. Allele origin: germline.
Comment: The SLC25A13 c.1274C>T variant is predicted to result in the amino acid substitution p.Ser425Leu. To our knowledge, this variant has not been reported in the literature or in a large population database, indicating this variant is rare. At this time, the clinical significance of this variant is uncertain due to the absence of conclusive functional and genetic evidence.

Labcorp Genetics (formerly Invitae), Labcorp
Classification: Uncertain significance for Citrin deficiency. Last evaluated: 2021-09-01. Review status: criteria provided, single submitter. Criteria: Invitae Variant Classification Sherloc (09022015). Collection method: clinical testing. Allele origin: germline.
Comment: This sequence change replaces serine with leucine at codon 425 of the SLC25A13 protein (p.Ser425Leu). The serine residue is moderately conserved and there is a large physicochemical difference between serine and leucine. This variant is not present in population databases (ExAC no frequency). This variant has not been reported in the literature in individuals affected with SLC25A13-related conditions. Algorithms developed to predict the effect of missense changes on protein structure and function (SIFT, PolyPhen-2, Align-GVGD) all suggest that this variant is likely to be tolerated. In summary, the available evidence is currently insufficient to determine the role of this variant in disease. Therefore, it has been classified as a Variant of Uncertain Significance.

NM_014251.3(SLC25A13):c.1274C>T (p.Ser425Leu)

Gene: SLC25A13 (solute carrier family 25 member 13; minus strand). Cytogenetic location: 7q21.3.
Variant type: single nucleotide variant.
Coding change: c.1274C>T on transcript NM_014251.3 (MANE Select); coding-DNA position 1274, C replaced by T.
Protein change: p.Ser425Leu; replaces serine 425 with leucine.
Molecular consequence: missense variant. On other transcripts: non-coding transcript variant (1).
Genome position (GRCh38, 1-based): chr7:96,170,082, G>A on the plus strand (C>T on the coding strand, the complement: SLC25A13 is on the minus strand). VCF-style: chr7-96170082-G-A. GRCh37 (hg19) VCF-style: chr7-95799394-G-A.
Other names: c.1277C>T, p.Ser426Leu (NM_001160210.2); c.1274C>T (NM_014251.2); short protein forms S425L, S426L.
Identifiers: ClinVar variation 2183601 (VCV002183601.4), dbSNP rs1403481477, ClinGen allele CA368258646.
Genomic context (GRCh38, chr7:96,170,082, plus strand): 5'-AGAGAGCTTCAAAAGGTACTTACGCAGCCTCCAGCAAGAATTTCTGCTGCAAGTGGGACC[G>A]AACCATCTTTGTGCATAAATTTATCCCTCACAAAATCGTTCACCTTGAAGAAAAATATTT-3'
Protein context (NP_055066.1, residues 415-435): VRDKFMHKDG[Ser425Leu]VPLAAEILAG